The following is an entry in ClinVar:

ClinVar aggregate classification (germline): Likely benign. Review status: criteria provided, multiple submitters, no conflicts (2 of 4 stars). 2 submissions from 2 submitters: Likely benign (2). Last evaluated 2025-12-01.

Allele frequency attached by ClinVar (database versions not stated): ExAC 0.00004; gnomAD 0.00004 and 0.00008; gnomAD exomes 0.00004; TOPMed 0.00010; 1000 Genomes Project 30x 0.00016.
gnomAD v4.1: 65 of 1,611,594 alleles (0.004%); highest among the groups gnomAD compares: East Asian, 0.013%; no homozygotes.

Submissions (2):

CeGaT Center for Human Genetics Tuebingen
Classification: Likely benign. Last evaluated: 2025-12-01. Review status: criteria provided, single submitter. Criteria: CeGaT Center For Human Genetics Tuebingen Variant Classification Criteria Version 2. Collection method: clinical testing. Allele origin: germline. Affected: yes. Observed: 1 variant allele.
Comment: HERC2: BP4, BP7

Labcorp Genetics (formerly Invitae), Labcorp
Classification: Likely benign. Last evaluated: 2017-09-22. Review status: criteria provided, single submitter. Criteria: Invitae Variant Classification Sherloc (09022015). Collection method: clinical testing. Allele origin: germline.

NM_004667.6(HERC2):c.6117A>G (p.Val2039=)

Gene: HERC2 (HECT and RLD domain containing E3 ubiquitin protein ligase 2; minus strand). Cytogenetic location: 15q13.1.
Variant type: single nucleotide variant.
Coding change: c.6117A>G on transcript NM_004667.6 (MANE Select); coding-DNA position 6117, A replaced by G.
Protein change: p.Val2039=; no amino-acid change (valine 2039 retained).
Molecular consequence: synonymous variant.
Genome position (GRCh38, 1-based): chr15:28,215,714, T>C on the plus strand (A>G on the coding strand, the complement: HERC2 is on the minus strand). VCF-style: chr15-28215714-T-C. GRCh37 (hg19) VCF-style: chr15-28460860-T-C.
Identifiers: ClinVar variation 713579 (VCV000713579.8), dbSNP rs2905940, ClinGen allele CA7442148.
Genomic context (GRCh38, chr15:28,215,714, plus strand): 5'-GTGCCCTTCCACGACCTTCATGAGCAGCGTGATCCACTGCGGGGAGCTGAGGGCGCCGCA[T>C]ACCTGCGGCGTGAGAGCGATGCTCCGCACAAACCCCAGCGTGCACCAGCTCCGGTGTTGC-3'
Protein context (NP_004658.3, residues 2029-2049): FVRSIALTPQ[Val2039=]CGALSSPQWI